The following is an entry in ClinVar:

NM_022460.4(HS1BP3):c.31A>G (p.Arg11Gly)

Gene: HS1BP3 (HCLS1 binding protein 3; minus strand). Cytogenetic location: 2p24.1.
Variant type: single nucleotide variant.
Coding change: c.31A>G on transcript NM_022460.4 (MANE Select); coding-DNA position 31, A replaced by G.
Protein change: p.Arg11Gly; replaces arginine 11 with glycine.
Molecular consequence: missense variant.
Genome position (GRCh38, 1-based): chr2:20,651,033, T>C on the plus strand (A>G on the coding strand, the complement: HS1BP3 is on the minus strand). VCF-style: chr2-20651033-T-C. GRCh37 (hg19) VCF-style: chr2-20850793-T-C.
Other names: short protein forms R11G.
Identifiers: ClinVar variation 2650706 (VCV002650706.24), dbSNP rs1401925896, ClinGen allele CA345963775.

ClinVar aggregate classification (germline): Uncertain significance (1 of 4 stars; one submission).

Allele frequency attached by ClinVar (database versions not stated): gnomAD 0.00002; TOPMed 0.00002.
gnomAD v4.1: 18 of 1,240,606 alleles (0.0015%); highest among the groups gnomAD compares: Admixed American, 0.0081%; no homozygotes.

Submission:

CeGaT Center for Human Genetics Tuebingen
Classification: Uncertain significance. Last evaluated: 2022-11-01. Review status: criteria provided, single submitter. Criteria: CeGaT Center For Human Genetics Tuebingen Variant Classification Criteria Version 2. Collection method: clinical testing. Allele origin: germline. Affected: yes. Observed: 1 variant allele.
Comment: HS1BP3: PM2